The following is an entry in ClinVar:

ClinVar aggregate classification (germline): Pathogenic (1 of 4 stars; one submission).

Submission:

Labcorp Genetics (formerly Invitae), Labcorp
Classification: Pathogenic. Last evaluated: 2022-09-08. Review status: criteria provided, single submitter. Criteria: Invitae Variant Classification Sherloc (09022015). Collection method: clinical testing. Allele origin: germline.
Comment: For these reasons, this variant has been classified as Pathogenic. ClinVar contains an entry for this variant (Variation ID: 1452372). This variant has not been reported in the literature in individuals affected with LRP5-related conditions. This variant is not present in population databases (gnomAD no frequency). This sequence change creates a premature translational stop signal (p.Tyr91Thrfs*2) in the LRP5 gene. It is expected to result in an absent or disrupted protein product. Loss-of-function variants in LRP5 are known to be pathogenic (PMID: 11719191, 16252235, 25711638).

Literature cited by the submitters: PubMed 11719191; PubMed 16252235; PubMed 25711638.

NM_002335.4(LRP5):c.270del (p.Tyr91fs)

Gene: LRP5 (LDL receptor related protein 5; plus strand). Cytogenetic location: 11q13.2.
Variant type: Deletion.
Coding change: c.270del on transcript NM_002335.4 (MANE Select); coding-DNA position 270, one base deleted (C; older notation c.270delC).
Protein change: p.Tyr91fs; shifts the reading frame from tyrosine 91.
Molecular consequence: frameshift variant. On other transcripts: 5 prime UTR variant (1).
Genome position (GRCh38, 1-based): chr11:68,348,025, C deleted; the last of 2 consecutive C bases (chr11:68,348,024-68,348,025); deleting either gives the same sequence. VCF-style (leftmost placement, unchanged base first): chr11-68348023-AC-A. GRCh37 (hg19) VCF-style: chr11-68115491-AC-A.
Other names: c.-1496del (NM_001291902.2); short protein forms Y91fs.
Identifiers: ClinVar variation 1452372 (VCV001452372.6), dbSNP rs2153129468, ClinGen allele CA2573147521.